The following is an entry in ClinVar:

NM_000051.4(ATM):c.1066-16_1066-10del

Gene: ATM (ATM serine/threonine kinase; plus strand). Cytogenetic location: 11q22.3.
Variant type: Deletion.
Coding change: c.1066-16_1066-10del on transcript NM_000051.4 (MANE Select); 16 bases into the intron before coding-DNA position 1066 through 10 bases into the intron before coding-DNA position 1066, 7 bases deleted (TATTTTT; older notation c.1066-16_1066-10delTATTTTT).
Molecular consequence: intron variant.
Genome position (GRCh38, 1-based): chr11:108,248,917-108,248,923, TATTTTT deleted; deleting any 7 consecutive bases within chr11:108,248,915-108,248,923 gives the same sequence; the c. name uses the placement nearest the transcript's 3' end. VCF-style (leftmost placement, unchanged base first): chr11-108248914-ATTTATTT-A. GRCh37 (hg19) VCF-style: chr11-108119641-ATTTATTT-A.
Other names: c.1066-16_1066-10del (NM_001351834.2).
Identifiers: ClinVar variation 2011720 (VCV002011720.4), dbSNP rs2497206266, ClinGen allele CA2580083749.

ClinVar aggregate classification (germline): Uncertain significance (1 of 4 stars; one submission).

Conditions:
Ataxia-telangiectasia syndrome (AT). Also called: Cerebello-oculocutaneous telangiectasia; Immunodeficiency with ataxia telangiectasia; Ataxia telangiectasia (A-T); LOUIS-BAR SYNDROME; Ataxia-telangiectasia, complementation group D; AT, COMPLEMENTATION GROUP C. Identifiers: Orphanet 100, MedGen C0004135, MONDO:0008840, OMIM 208900.

Submission:

Labcorp Genetics (formerly Invitae), Labcorp
Classification: Uncertain significance for Ataxia-telangiectasia syndrome. Last evaluated: 2022-06-28. Review status: criteria provided, single submitter. Criteria: Invitae Variant Classification Sherloc (09022015). Collection method: clinical testing. Allele origin: germline.
Comment: This variant is not present in population databases (gnomAD no frequency). This sequence change falls in intron 8 of the ATM gene. It does not directly change the encoded amino acid sequence of the ATM protein. In summary, the available evidence is currently insufficient to determine the role of this variant in disease. Therefore, it has been classified as a Variant of Uncertain Significance. Algorithms developed to predict the effect of sequence changes on RNA splicing suggest that this variant may disrupt the consensus splice site. This variant has not been reported in the literature in individuals affected with ATM-related conditions.